The following is an entry in ClinVar:

ClinVar aggregate classification (germline): Uncertain significance. Review status: criteria provided, multiple submitters, no conflicts (2 of 4 stars). 3 submissions from 3 submitters: Uncertain significance (3). Last evaluated 2026-04-14.

Conditions:
SATB1-related disorder. Also called: SATB1-related condition.
Inborn genetic diseases. Identifiers: MedGen C0950123, MeSH D030342.

Submissions (3):

PreventionGenetics, part of Exact Sciences
Classification: Uncertain significance for SATB1-related condition. Last evaluated: 2026-04-14. Review status: criteria provided, single submitter. Criteria: ACMG Guidelines, 2015. Collection method: clinical testing. Allele origin: germline.
Comment: The SATB1 c.541C>G variant is predicted to result in the amino acid substitution p.Pro181Ala. To our knowledge, this variant has not been reported in the literature or in a large population database (gnomAD), indicating this variant is rare. Of note, a different variant impacting the same amino acid (p.Pro181Leu), has been reported in an individual from a neurodevelopmental disorder cohort (den Hoed et al. 2021. PubMed ID: 33513338). At this time, the clinical significance of the c.541C>G (p.Pro181Ala) variant is uncertain due to the absence of conclusive functional and genetic evidence.

Ambry Genetics
Classification: Uncertain significance for Inborn genetic diseases. Last evaluated: 2025-04-06. Review status: criteria provided, single submitter. Criteria: Ambry Variant Classification Scheme 2023. Collection method: clinical testing. Allele origin: germline.

GeneDx
Classification: Uncertain significance. Last evaluated: 2022-01-11. Review status: criteria provided, single submitter. Criteria: GeneDx Variant Classification Process June 2021. Collection method: clinical testing. Allele origin: germline. Affected: yes.
Comment: Has not been previously published as pathogenic or benign to our knowledge; Not observed at significant frequency in large population cohorts (gnomAD); In silico analysis supports that this missense variant does not alter protein structure/function

NM_002971.6(SATB1):c.541C>G (p.Pro181Ala)

Gene: SATB1 (SATB homeobox 1; minus strand). Cytogenetic location: 3p24.3.
Variant type: single nucleotide variant.
Coding change: c.541C>G on transcript NM_002971.6 (MANE Select); coding-DNA position 541, C replaced by G.
Protein change: p.Pro181Ala; replaces proline 181 with alanine.
Molecular consequence: missense variant.
Genome position (GRCh38, 1-based): chr3:18,415,209, G>C on the plus strand (C>G on the coding strand, the complement: SATB1 is on the minus strand). VCF-style: chr3-18415209-G-C. GRCh37 (hg19) VCF-style: chr3-18456701-G-C.
Other names: c.541C>G (NM_001195470.1); c.541C>G, p.Pro181Ala (NM_001131010.4, NM_001195470.3, NM_001322871.2 and 4 more transcripts); c.325C>G, p.Pro109Ala (NM_001322876.2); short protein forms P109A, P181A.
Identifiers: ClinVar variation 1695647 (VCV001695647.4), dbSNP rs2125158084, ClinGen allele CA351860399.